The following is an entry in ClinVar:

NM_001378454.1(ALMS1):c.147G>C (p.Glu49Asp)

Gene: ALMS1 (ALMS1 centrosome and basal body associated protein; plus strand). Cytogenetic location: 2p13.1.
Variant type: single nucleotide variant.
Coding change: c.147G>C on transcript NM_001378454.1 (MANE Select); coding-DNA position 147, G replaced by C.
Protein change: p.Glu49Asp; replaces glutamic acid 49 with aspartic acid.
Molecular consequence: missense variant.
Genome position (GRCh38, 1-based): chr2:73,386,015, G>C. VCF-style: chr2-73386015-G-C. GRCh37 (hg19) VCF-style: chr2-73613143-G-C.
Other names: c.150G>C, p.Glu50Asp (NM_015120.4); short protein forms E50D, E49D.
Identifiers: ClinVar variation 4996635 (VCV004996635.1).

ClinVar aggregate classification (germline): Uncertain significance (1 of 4 stars; one submission).

Conditions:
ALMS1-related disorder. Also called: ALMS1-related condition.

Submission:

PreventionGenetics, part of Exact Sciences
Classification: Uncertain significance for ALMS1-related condition. Last evaluated: 2026-05-24. Review status: criteria provided, single submitter. Criteria: ACMG Guidelines, 2015. Collection method: clinical testing. Allele origin: germline.
Comment: The ALMS1 c.150G>C variant is not predicted to result in an amino acid change (p.=). This variant is predicted to not alter splicing based on available splicing prediction programs (SpliceAI, Jaganathan et al. 2019. PubMed ID: 30661751). However, the use of computer prediction programs is not equivalent to functional evidence. To our knowledge, this variant has not been reported in the literature or in a large population database (gnomAD), indicating this variant is rare. Although we suspect that this variant may be benign, at this time, the clinical significance of this variant is uncertain due to the absence of conclusive functional and genetic evidence.